The following is an entry in ClinVar:

NM_001365536.1(SCN9A):c.2417T>C (p.Val806Ala)

Genes: SCN1A-AS1 (SCN1A and SCN9A antisense RNA 1; plus strand), SCN9A (sodium voltage-gated channel alpha subunit 9; minus strand). Cytogenetic location: 2q24.3.
Variant type: single nucleotide variant.
Coding change: c.2417T>C on transcript NM_001365536.1 (MANE Select); coding-DNA position 2417, T replaced by C.
Protein change: p.Val806Ala; replaces valine 806 with alanine.
Molecular consequence: missense variant.
Genome position (GRCh38, 1-based): chr2:166,278,240, A>G on the plus strand (T>C on the coding strand, the complement: SCN9A is on the minus strand). VCF-style: chr2-166278240-A-G. GRCh37 (hg19) VCF-style: chr2-167134750-A-G.
Other names: c.2384T>C, p.Val795Ala (NM_002977.4); short protein forms V795A, V806A.
Identifiers: ClinVar variation 647247 (VCV000647247.9), dbSNP rs1174260601, ClinGen allele CA349078376.
Genomic context (GRCh38, chr2:166,278,240, plus strand): 5'-GCTAGAAAGAGCTCCACTAAACTTAAAGTCACAATAAGGCTGTCAAAAATATTCCAGCCT[A>G]CTTGGAAATACTCATATGGATCCATGGCAATCAGTTTTAATACCATTTCAGCTGCAAAGA-3'
Protein context (NP_001352465.1, residues 796-816): IAMDPYEYFQ[Val806Ala]GWNIFDSLIV

ClinVar aggregate classification (germline): Uncertain significance (1 of 4 stars; one submission).

Conditions:
Neuropathy, hereditary sensory and autonomic, type 2A (HSAN2A). Also called: WNK1-Related HSAN2 (HSAN2A); HSAN IIA; NEUROPATHY, CONGENITAL SENSORY; MORVAN DISEASE; ACROOSTEOLYSIS, GIACCAI TYPE; ACROOSTEOLYSIS, NEUROGENIC. Identifiers: Orphanet 970, MedGen C2752089, MONDO:0024309, OMIM 201300.
Generalized epilepsy with febrile seizures plus, type 7 (GEFSP7). Also called: GEFS+, TYPE 7. Identifiers: Orphanet 36387, MedGen C2751778, MONDO:0013470, OMIM 613863.

Allele frequency attached by ClinVar (database versions not stated): gnomAD exomes below 0.00001; TOPMed below 0.00001; gnomAD 0.00001.
gnomAD v4.1: 3 of 1,612,466 alleles (0.00019%); highest among the groups gnomAD compares: Non-Finnish European, 0.00025%; no homozygotes.

Submission:

Labcorp Genetics (formerly Invitae), Labcorp
Classification: Uncertain significance for Neuropathy, hereditary sensory and autonomic, type 2A; Generalized epilepsy with febrile seizures plus, type 7. Last evaluated: 2024-07-10. Review status: criteria provided, single submitter. Criteria: Invitae Variant Classification Sherloc (09022015). Collection method: clinical testing. Allele origin: germline.
Comment: This sequence change replaces valine, which is neutral and non-polar, with alanine, which is neutral and non-polar, at codon 795 of the SCN9A protein (p.Val795Ala). This variant is not present in population databases (gnomAD no frequency). This variant has not been reported in the literature in individuals affected with SCN9A-related conditions. ClinVar contains an entry for this variant (Variation ID: 647247). Advanced modeling of protein sequence and biophysical properties (such as structural, functional, and spatial information, amino acid conservation, physicochemical variation, residue mobility, and thermodynamic stability) performed at Invitae indicates that this missense variant is not expected to disrupt SCN9A protein function with a negative predictive value of 95%. In summary, the available evidence is currently insufficient to determine the role of this variant in disease. Therefore, it has been classified as a Variant of Uncertain Significance.